The following is an entry in ClinVar:

ClinVar aggregate classification (germline): Uncertain significance. Review status: criteria provided, multiple submitters, no conflicts (2 of 4 stars). 3 submissions from 3 submitters: Uncertain significance (3). Last evaluated 2025-12-05.

Conditions:
Gastrointestinal stromal tumor. Also called: Gastrointestinal stroma tumor; Gastrointestinal stromal tumor, somatic. Identifiers: Orphanet 44890, MedGen C0238198, MeSH D046152, MONDO:0011719, OMIM 606764, HP:0100723.
Hereditary cancer-predisposing syndrome. Also called: Tumor predisposition; Hereditary neoplastic syndrome; Hereditary Cancer Syndrome; Neoplastic Syndromes, Hereditary. Identifiers: Orphanet 140162, MedGen C0027672, MeSH D009386, MONDO:0015356.
Polyps, multiple and recurrent inflammatory fibroid, gastrointestinal. Identifiers: MedGen C5193005, MONDO:0008285, OMIM 175510.

Allele frequency attached by ClinVar (database versions not stated): gnomAD exomes below 0.00001 and 0.00001; ExAC 0.00001; TOPMed 0.00001.
gnomAD v4.1: 12 of 1,613,862 alleles (0.00074%); highest among the groups gnomAD compares: Non-Finnish European, 0.00093%; 1 homozygote.

Submissions (3):

Labcorp Genetics (formerly Invitae), Labcorp
Classification: Uncertain significance for Gastrointestinal stromal tumor. Last evaluated: 2025-12-05. Review status: criteria provided, single submitter. Criteria: Invitae Variant Classification Sherloc (09022015). Collection method: clinical testing. Allele origin: germline.
Comment: This sequence change replaces isoleucine, which is neutral and non-polar, with valine, which is neutral and non-polar, at codon 1020 of the PDGFRA protein (p.Ile1020Val). This variant is present in population databases (rs767151323, gnomAD 0.0009%). This variant has not been reported in the literature in individuals affected with PDGFRA-related conditions. ClinVar contains an entry for this variant (Variation ID: 528593). Invitae Evidence Modeling of protein sequence and biophysical properties (such as structural, functional, and spatial information, amino acid conservation, physicochemical variation, residue mobility, and thermodynamic stability) indicates that this missense variant is not expected to disrupt PDGFRA protein function with a negative predictive value of 80%. In summary, the available evidence is currently insufficient to determine the role of this variant in disease. Therefore, it has been classified as a Variant of Uncertain Significance.

Ambry Genetics
Classification: Uncertain significance for Hereditary cancer-predisposing syndrome. Last evaluated: 2024-03-21. Review status: criteria provided, single submitter. Criteria: Ambry Variant Classification Scheme 2023. Collection method: clinical testing. Allele origin: germline.
Comment: The p.I1020V variant (also known as c.3058A>G), located in coding exon 21 of the PDGFRA gene, results from an A to G substitution at nucleotide position 3058. The isoleucine at codon 1020 is replaced by valine, an amino acid with highly similar properties. This amino acid position is conserved. In addition, the in silico prediction for this alteration is inconclusive. Since supporting evidence is limited at this time, the clinical significance of this alteration remains unclear.

Baylor Genetics
Classification: Uncertain significance for Polyps, multiple and recurrent inflammatory fibroid, gastrointestinal. Last evaluated: 2023-09-05. Review status: criteria provided, single submitter. Criteria: ACMG Guidelines, 2015. Collection method: clinical testing. Allele origin: unknown.

NM_006206.6(PDGFRA):c.3058A>G (p.Ile1020Val)

Gene: PDGFRA (platelet derived growth factor receptor alpha; plus strand). Cytogenetic location: 4q12.
Variant type: single nucleotide variant.
Coding change: c.3058A>G on transcript NM_006206.6 (MANE Select); coding-DNA position 3058, A replaced by G.
Protein change: p.Ile1020Val; replaces isoleucine 1020 with valine.
Molecular consequence: missense variant.
Genome position (GRCh38, 1-based): chr4:54,290,490, A>G. VCF-style: chr4-54290490-A-G. GRCh37 (hg19) VCF-style: chr4-55156657-A-G.
Other names: c.3133A>G, p.Ile1045Val (NM_001347828.2); c.3058A>G, p.Ile1020Val (NM_001347829.2); c.3097A>G, p.Ile1033Val (NM_001347830.2); short protein forms I1020V, I1033V, I1045V.
Identifiers: ClinVar variation 528593 (VCV000528593.12), dbSNP rs767151323, ClinGen allele CA2923018.